The following is an entry in ClinVar:

ClinVar aggregate classification (germline): Uncertain significance (1 of 4 stars; one submission).

Conditions:
Developmental and epileptic encephalopathy, 12 (DEE12). Identifiers: MedGen C3150988, MONDO:0013389, OMIM 613722.

Allele frequency attached by ClinVar (database versions not stated): gnomAD exomes 0.00001.
gnomAD v4.1: 7 of 1,613,796 alleles (0.00043%); highest among the groups gnomAD compares: South Asian, 0.0011%; no homozygotes.

Submission:

Labcorp Genetics (formerly Invitae), Labcorp
Classification: Uncertain significance for Developmental and epileptic encephalopathy, 12. Last evaluated: 2020-11-13. Review status: criteria provided, single submitter. Criteria: Invitae Variant Classification Sherloc (09022015). Collection method: clinical testing. Allele origin: germline.
Comment: This sequence change falls in intron 11 of the PLCB1 gene. It does not directly change the encoded amino acid sequence of the PLCB1 protein. It affects a nucleotide within the consensus splice site of the intron. This variant is not present in population databases (ExAC no frequency). This variant has not been reported in the literature in individuals with PLCB1-related conditions. Nucleotide substitutions within the consensus splice site are a relatively common cause of aberrant splicing (PMID: 17576681, 9536098). Algorithms developed to predict the effect of sequence changes on RNA splicing suggest that this variant is not likely to affect RNA splicing, but this prediction has not been confirmed by published transcriptional studies. In summary, the available evidence is currently insufficient to determine the role of this variant in disease. Therefore, it has been classified as a Variant of Uncertain Significance.

Literature cited by the submitters: PubMed 17576681; PubMed 9536098.

NM_015192.4(PLCB1):c.1167+6G>A

Gene: PLCB1 (phospholipase C beta 1; plus strand). Cytogenetic location: 20p12.3.
Variant type: single nucleotide variant.
Coding change: c.1167+6G>A on transcript NM_015192.4 (MANE Select); 6 bases into the intron after coding-DNA position 1167, G replaced by A.
Molecular consequence: intron variant.
Genome position (GRCh38, 1-based): chr20:8,697,789, G>A. VCF-style: chr20-8697789-G-A. GRCh37 (hg19) VCF-style: chr20-8678436-G-A.
Other names: c.1167+6G>A (NM_182734.3).
Identifiers: ClinVar variation 1411753 (VCV001411753.6), dbSNP rs2123428266, ClinGen allele CA2573156913.